The following is an entry in ClinVar:

17q21.31 Microdeletion

Variant type: Deletion.
Identifiers: ClinVar variation 40974 (VCV000040974.3).

ClinVar aggregate classification (germline): Pathogenic (0 of 4 stars; one submission).

Conditions:
Koolen-de Vries syndrome (KDVS). Identifiers: Orphanet 96169, MedGen C1864871, MONDO:0012496, OMIM 610443.

Submission:

GeneReviews
Classification: Pathogenic for KANSL1-Related Intellectual Disability Syndrome. Last evaluated: 2012-11-20. Review status: no assertion criteria provided. Collection method: curation. Allele origin: unknown.
ClinVar note: Converted during submission from pathologic to Pathogenic.